The following is an entry in ClinVar:

ClinVar aggregate classification (germline): Conflicting classifications of pathogenicity. Review status: criteria provided, conflicting classifications (1 of 4 stars). 13 submissions from 9 submitters: Uncertain significance (4); Benign (1); Likely benign (5). 3 of the submissions do not count toward it. Last evaluated 2026-02-04.

Conditions:
Joubert syndrome. Also called: JOUBERT-BOLTSHAUSER SYNDROME; Familial aplasia of the vermis. Identifiers: Orphanet 475, MedGen C5979921, MONDO:0018772.
Nephronophthisis. Also called: Juvenile Nephronophthisis. Identifiers: Orphanet 655, MedGen C0687120, MONDO:0019005, HP:0000090.
Meckel-Gruber syndrome. Also called: DYSENCEPHALIA SPLANCHNOCYSTICA; GRUBER SYNDROME; Dysencephalia splachnocystica. Identifiers: Orphanet 564, MedGen C0265215, MONDO:0018921.
Leber congenital amaurosis (LCA). Also called: Leber's amaurosis. Identifiers: Orphanet 65, MedGen C0339527, MeSH D057130, MONDO:0018998.
Meckel syndrome, type 4 (MKS4). Also called: MECKEL-GRUBER SYNDROME, TYPE 4. Identifiers: Orphanet 564, MedGen C1970161, MONDO:0012626, OMIM 611134.
Bardet-Biedl syndrome 14 (BBS14). Identifiers: Orphanet 110, MedGen C2673874, MONDO:0014442, OMIM 615991.
Leber congenital amaurosis 10 (LCA10). Identifiers: Orphanet 65, MedGen C1857821, MONDO:0012723, OMIM 611755.
Joubert syndrome 5 (JBTS5). Identifiers: Orphanet 2318, MedGen C1857780, MONDO:0012432, OMIM 610188.
Senior-Loken syndrome 6 (SLSN6). Identifiers: Orphanet 3156, MedGen C1857779, MONDO:0012433, OMIM 610189.

Allele frequency attached by ClinVar (database versions not stated): 1000 Genomes Project 30x 0.00016; 1000 Genomes Project 0.00020; TOPMed 0.00082; gnomAD 0.00087 and 0.00091; gnomAD exomes 0.00087 and 0.00198; ESP Exome Variant Server 0.00119; ExAC 0.00199.
gnomAD v4.1: 2,851 of 1,560,810 alleles (0.18%); highest among the groups gnomAD compares: Non-Finnish European, 0.24%; 6 homozygotes.

Submissions (13):

Labcorp Genetics (formerly Invitae), Labcorp
Classification: Benign for Joubert syndrome; Meckel-Gruber syndrome; Nephronophthisis. Last evaluated: 2026-02-04. Review status: criteria provided, single submitter. Criteria: Invitae Variant Classification Sherloc (09022015). Collection method: clinical testing. Allele origin: germline.

CeGaT Center for Human Genetics Tuebingen
Classification: Likely benign. Last evaluated: 2025-12-01. Review status: criteria provided, single submitter. Criteria: CeGaT Center For Human Genetics Tuebingen Variant Classification Criteria Version 2. Collection method: clinical testing. Allele origin: germline. Affected: yes. Observed: 3 variant alleles.
Comment: CEP290: BP4, BP7

Blueprint Genetics
Classification: Likely benign. Last evaluated: 2024-11-22. Review status: criteria provided, single submitter. Criteria: ACMG Guidelines, 2015. Collection method: clinical testing. Allele origin: germline.

GeneDx
Classification: Likely benign. Last evaluated: 2021-08-23. Review status: criteria provided, single submitter. Criteria: GeneDx Variant Classification Process June 2021. Collection method: clinical testing. Allele origin: germline. Affected: yes.
Comment: This variant is associated with the following publications: (PMID: 17564967)

Illumina Laboratory Services, Illumina
Classification: Uncertain significance for Meckel syndrome, type 4. Last evaluated: 2018-01-13. Review status: criteria provided, single submitter. Criteria: ICSL Variant Classification Criteria 13 December 2019. Collection method: clinical testing. Allele origin: germline.

Illumina Laboratory Services, Illumina
Classification: Uncertain significance for Leber congenital amaurosis 10. Last evaluated: 2018-01-13. Review status: criteria provided, single submitter. Criteria: ICSL Variant Classification Criteria 13 December 2019. Collection method: clinical testing. Allele origin: germline.

Illumina Laboratory Services, Illumina
Classification: Uncertain significance for Joubert syndrome 5. Last evaluated: 2018-01-13. Review status: criteria provided, single submitter. Criteria: ICSL Variant Classification Criteria 13 December 2019. Collection method: clinical testing. Allele origin: germline.

Illumina Laboratory Services, Illumina
Classification: Uncertain significance for Bardet-Biedl syndrome 14. Last evaluated: 2018-01-13. Review status: criteria provided, single submitter. Criteria: ICSL Variant Classification Criteria 13 December 2019. Collection method: clinical testing. Allele origin: germline.

Illumina Laboratory Services, Illumina
Classification: Likely benign for Senior-Loken syndrome 6. Last evaluated: 2018-01-13. Review status: criteria provided, single submitter. Criteria: ICSL Variant Classification Criteria 13 December 2019. Collection method: clinical testing. Allele origin: germline.
Comment: This variant was observed in the ICSL laboratory as part of a predisposition screen in an ostensibly healthy population. It had not been previously curated by ICSL or reported in the Human Gene Mutation Database (HGMD: prior to June 1st, 2018), and was therefore a candidate for classification through an automated scoring system. Utilizing variant allele frequency, disease prevalence and penetrance estimates, and inheritance mode, an automated score was calculated to assess if this variant is too frequent to cause the disease. Based on the score and internal cut-off values, a variant classified as likely benign is not then subjected to further curation. The score for this variant resulted in a classification of likely benign for this disease.

PreventionGenetics, part of Exact Sciences
Classification: Likely benign. Review status: criteria provided, single submitter. Criteria: ACMG Guidelines, 2015. Collection method: clinical testing. Allele origin: germline.

Natera, Inc.
Classification: Likely benign for Leber congenital amaurosis. Last evaluated: 2020-01-14. Review status: no assertion criteria provided. Collection method: clinical testing. Allele origin: germline. Not counted in ClinVar's aggregate classification.

Clinical Genetics DNA and cytogenetics Diagnostics Lab, Erasmus MC, Erasmus Medical Center
Classification: Likely benign. Review status: no assertion criteria provided. Collection method: clinical testing. Allele origin: germline. Affected: yes. Study: VKGL Data-share Consensus. Not counted in ClinVar's aggregate classification.

Genome Diagnostics Laboratory, University Medical Center Utrecht
Classification: Likely benign. Review status: no assertion criteria provided. Collection method: clinical testing. Allele origin: germline. Affected: yes. Study: VKGL Data-share Consensus. Not counted in ClinVar's aggregate classification.

NM_025114.4(CEP290):c.4806G>A (p.Thr1602=)

Gene: CEP290 (centrosomal protein 290; minus strand). Cytogenetic location: 12q21.32.
Variant type: single nucleotide variant.
Coding change: c.4806G>A on transcript NM_025114.4 (MANE Select); coding-DNA position 4806, G replaced by A.
Protein change: p.Thr1602=; no amino-acid change (threonine 1602 retained).
Molecular consequence: synonymous variant.
Genome position (GRCh38, 1-based): chr12:88,083,853, C>T on the plus strand (G>A on the coding strand, the complement: CEP290 is on the minus strand). VCF-style: chr12-88083853-C-T. GRCh37 (hg19) VCF-style: chr12-88477630-C-T.
Identifiers: ClinVar variation 261847 (VCV000261847.46), dbSNP rs201614215, ClinGen allele CA6711863.